The following is an entry in ClinVar:

ClinVar aggregate classification (germline): Uncertain significance (1 of 4 stars; one submission).

Allele frequency attached by ClinVar (database versions not stated): gnomAD exomes below 0.00001; TOPMed below 0.00001; ExAC 0.00001.
gnomAD v4.1: 2 of 1,614,170 alleles (0.00012%); highest among the groups gnomAD compares: Non-Finnish European, 0.00017%; no homozygotes.

Submission:

Labcorp Genetics (formerly Invitae), Labcorp
Classification: Uncertain significance. Last evaluated: 2023-07-28. Review status: criteria provided, single submitter. Criteria: Invitae Variant Classification Sherloc (09022015). Collection method: clinical testing. Allele origin: germline.
Comment: This variant is present in population databases (rs779698709, gnomAD 0.006%). This sequence change falls in intron 40 of the LRP2 gene. It does not directly change the encoded amino acid sequence of the LRP2 protein. It affects a nucleotide within the consensus splice site. This variant has not been reported in the literature in individuals affected with LRP2-related conditions. ClinVar contains an entry for this variant (Variation ID: 1376572). Variants that disrupt the consensus splice site are a relatively common cause of aberrant splicing (PMID: 17576681, 9536098). Algorithms developed to predict the effect of sequence changes on RNA splicing suggest that this variant may disrupt the consensus splice site. In summary, the available evidence is currently insufficient to determine the role of this variant in disease. Therefore, it has been classified as a Variant of Uncertain Significance.

Literature cited by the submitters: PubMed 17576681; PubMed 9536098.

NM_004525.3(LRP2):c.7556+5G>A

Gene: LRP2 (LDL receptor related protein 2; minus strand). Cytogenetic location: 2q31.1.
Variant type: single nucleotide variant.
Coding change: c.7556+5G>A on transcript NM_004525.3 (MANE Select); 5 bases into the intron after coding-DNA position 7556, G replaced by A.
Molecular consequence: intron variant.
Genome position (GRCh38, 1-based): chr2:169,206,018, C>T on the plus strand (G>A on the coding strand, the complement: LRP2 is on the minus strand). VCF-style: chr2-169206018-C-T. GRCh37 (hg19) VCF-style: chr2-170062528-C-T.
Identifiers: ClinVar variation 1376572 (VCV001376572.6), dbSNP rs779698709, ClinGen allele CA1954073.